The following is an entry in ClinVar:

ClinVar aggregate classification (germline): Likely benign (0 of 4 stars; one submission).

Conditions:
PTPRM-related disorder. Also called: PTPRM-related condition.

Allele frequency attached by ClinVar (database versions not stated): TOPMed below 0.00001; ExAC 0.00001; gnomAD exomes 0.00001.
gnomAD v4.1: 4 of 1,613,812 alleles (0.00025%); highest among the groups gnomAD compares: Admixed American, 0.0067%; no homozygotes.

Submission:

PreventionGenetics, part of Exact Sciences
Classification: Likely benign for PTPRM-related condition. Last evaluated: 2019-04-25. Review status: no assertion criteria provided. Collection method: clinical testing. Allele origin: germline.
Comment: This variant is classified as likely benign based on ACMG/AMP sequence variant interpretation guidelines (Richards et al. 2015 PMID: 25741868, with internal and published modifications).

NM_001105244.2(PTPRM):c.4290C>A (p.Val1430=)

Gene: PTPRM (protein tyrosine phosphatase receptor type M; plus strand). Cytogenetic location: 18p11.23.
Variant type: single nucleotide variant.
Coding change: c.4290C>A on transcript NM_001105244.2 (MANE Select); coding-DNA position 4290, C replaced by A.
Protein change: p.Val1430=; no amino-acid change (valine 1430 retained).
Molecular consequence: synonymous variant.
Genome position (GRCh38, 1-based): chr18:8,394,557, C>A. VCF-style: chr18-8394557-C-A. GRCh37 (hg19) VCF-style: chr18-8394555-C-A.
Other names: c.3612C>A, p.Val1204= (NM_001378142.1); c.3651C>A, p.Val1217= (NM_001378143.1); c.3687C>A, p.Val1229= (NM_001378144.1); c.3726C>A, p.Val1242= (NM_001378145.1); c.3702C>A, p.Val1234= (NM_001378146.1); c.3777C>A, p.Val1259= (NM_001378147.1); c.4251C>A, p.Val1417= (NM_002845.4).
Identifiers: ClinVar variation 3047256 (VCV003047256.2), dbSNP rs755740975, ClinGen allele CA8885037.